The following is an entry in ClinVar:

NM_001378457.1(DMXL2):c.8178A>T (p.Glu2726Asp)

Gene: DMXL2 (Dmx like 2; minus strand). Cytogenetic location: 15q21.2.
Variant type: single nucleotide variant.
Coding change: c.8178A>T on transcript NM_001378457.1 (MANE Select); coding-DNA position 8178, A replaced by T.
Protein change: p.Glu2726Asp; replaces glutamic acid 2726 with aspartic acid.
Molecular consequence: missense variant. On other transcripts: non-coding transcript variant (2).
Genome position (GRCh38, 1-based): chr15:51,458,526, T>A on the plus strand (A>T on the coding strand, the complement: DMXL2 is on the minus strand). VCF-style: chr15-51458526-T-A. GRCh37 (hg19) VCF-style: chr15-51750723-T-A.
Other names: c.8115A>T, p.Glu2705Asp (NM_001174116.3); c.6204A>T, p.Glu2068Asp (NM_001174117.3); c.8175A>T, p.Glu2725Asp (NM_001378458.1); c.7890A>T, p.Glu2630Asp (NM_001378459.1); c.6093A>T, p.Glu2031Asp (NM_001378460.1); c.8112A>T, p.Glu2704Asp (NM_015263.5); c.8115A>T (NM_001174116.1); short protein forms E2031D, E2068D, E2630D, E2705D, E2704D, E2725D, E2726D.
Identifiers: ClinVar variation 1909710 (VCV001909710.3), dbSNP rs756433240, ClinGen allele CA7561132.
Genomic context (GRCh38, chr15:51,458,526, plus strand): 5'-CTTACAGAAAACTATATGTAAAAGTGACTATGAGACAAACCTTTTGGATTCTCTGTCATA[T>A]TCTTCTCCGATCCATATGTATGACTGACAGGCCAGTAGAGAAGTAACATCAAGTTCTTGA-3'
Protein context (NP_001365386.1, residues 2716-2736): ACQSYIWIGE[Glu2726Asp]YDRESKSSDD

ClinVar aggregate classification (germline): Uncertain significance. Review status: criteria provided, multiple submitters, no conflicts (2 of 4 stars). 2 submissions from 2 submitters: Uncertain significance (2). Last evaluated 2025-11-11.

Conditions:
DMXL2-related disorder. Also called: DMXL2-related condition.

Allele frequency attached by ClinVar (database versions not stated): ExAC 0.00001; gnomAD 0.00001; gnomAD exomes 0.00001; TOPMed 0.00001.
gnomAD v4.1: 4 of 1,613,698 alleles (0.00025%); highest among the groups gnomAD compares: Admixed American, 0.0067%; no homozygotes.

Submissions (2):

PreventionGenetics, part of Exact Sciences
Classification: Uncertain significance for DMXL2-related condition. Last evaluated: 2025-11-11. Review status: criteria provided, single submitter. Criteria: ACMG Guidelines, 2015. Collection method: clinical testing. Allele origin: germline.
Comment: The DMXL2 c.8115A>T variant is predicted to result in the amino acid substitution p.Glu2705Asp. To our knowledge, this variant has not been reported in the literature. This variant is reported in 0.0087% of alleles in individuals of Latino descent in gnomAD. At this time, the clinical significance of this variant is uncertain due to the absence of conclusive functional and genetic evidence.

Labcorp Genetics (formerly Invitae), Labcorp
Classification: Uncertain significance. Last evaluated: 2022-08-13. Review status: criteria provided, single submitter. Criteria: Invitae Variant Classification Sherloc (09022015). Collection method: clinical testing. Allele origin: germline.
Comment: This sequence change replaces glutamic acid, which is acidic and polar, with aspartic acid, which is acidic and polar, at codon 2705 of the DMXL2 protein (p.Glu2705Asp). This variant is present in population databases (rs756433240, gnomAD 0.009%). This variant has not been reported in the literature in individuals affected with DMXL2-related conditions. Algorithms developed to predict the effect of missense changes on protein structure and function (SIFT, PolyPhen-2, Align-GVGD) all suggest that this variant is likely to be tolerated. In summary, the available evidence is currently insufficient to determine the role of this variant in disease. Therefore, it has been classified as a Variant of Uncertain Significance.